The following is an entry in ClinVar:

ClinVar aggregate classification (germline): Uncertain significance (1 of 4 stars; one submission).

Conditions:
Cutis laxa, autosomal dominant 3 (ADCL3). Identifiers: Orphanet 90348, MedGen C4225268, MONDO:0014706, OMIM 616603.
Autosomal dominant spastic paraplegia type 9. Identifiers: MedGen C1832669, MONDO:0015091.
de Barsy syndrome. Also called: Cutis laxa-corneal clouding-oligophrenia syndrome. Identifiers: Orphanet 2962, MedGen C0268354, MONDO:0017569.

gnomAD v4.1: 3 of 1,614,120 alleles (0.00019%); highest among the groups gnomAD compares: East Asian, 0.0022%; no homozygotes.

Submission:

Labcorp Genetics (formerly Invitae), Labcorp
Classification: Uncertain significance for Autosomal dominant spastic paraplegia type 9; de Barsy syndrome; Cutis laxa, autosomal dominant 3. Last evaluated: 2025-02-02. Review status: criteria provided, single submitter. Criteria: Invitae Variant Classification Sherloc (09022015). Collection method: clinical testing. Allele origin: germline.
Comment: This sequence change replaces glutamine, which is neutral and polar, with arginine, which is basic and polar, at codon 682 of the ALDH18A1 protein (p.Gln682Arg). This variant is present in population databases (no rsID available, gnomAD 0.005%). This variant has not been reported in the literature in individuals affected with ALDH18A1-related conditions. Invitae Evidence Modeling of protein sequence and biophysical properties (such as structural, functional, and spatial information, amino acid conservation, physicochemical variation, residue mobility, and thermodynamic stability) indicates that this missense variant is not expected to disrupt ALDH18A1 protein function with a negative predictive value of 95%. In summary, the available evidence is currently insufficient to determine the role of this variant in disease. Therefore, it has been classified as a Variant of Uncertain Significance.

NM_002860.4(ALDH18A1):c.2045A>G (p.Gln682Arg)

Gene: ALDH18A1 (aldehyde dehydrogenase 18 family member A1; minus strand). Cytogenetic location: 10q24.1.
Variant type: single nucleotide variant.
Coding change: c.2045A>G on transcript NM_002860.4 (MANE Select); coding-DNA position 2045, A replaced by G.
Protein change: p.Gln682Arg; replaces glutamine 682 with arginine.
Molecular consequence: missense variant.
Genome position (GRCh38, 1-based): chr10:95,611,321, T>C on the plus strand (A>G on the coding strand, the complement: ALDH18A1 is on the minus strand). VCF-style: chr10-95611321-T-C. GRCh37 (hg19) VCF-style: chr10-97371078-T-C.
Other names: c.2039A>G, p.Gln680Arg (NM_001017423.2, NM_001323415.2); c.1712A>G, p.Gln571Arg (NM_001323412.2, NM_001323416.2); c.2045A>G, p.Gln682Arg (NM_001323413.2, NM_001323414.2); c.1940A>G, p.Gln647Arg (NM_001323417.2); c.1706A>G, p.Gln569Arg (NM_001323418.2); c.1409A>G, p.Gln470Arg (NM_001323419.2); short protein forms Q470R, Q569R, Q571R, Q647R, Q680R, Q682R.
Identifiers: ClinVar variation 3753500 (VCV003753500.2).
Genomic context (GRCh38, chr10:95,611,321, plus strand): 5'-TCTGTGACGATGACATCCGTGTGGGAGCTGCCATACTTGTGGATGTGGTCAATGGCATCC[T>C]GAACGTTGTCCACTACTTCAATGCATAATTCCAGGTCCCCATACTCAGTTCGGAGTGACT-3'
Protein context (NP_002851.2, residues 672-692): ELCIEVVDNV[Gln682Arg]DAIDHIHKYG